The following is an entry in ClinVar:

ClinVar aggregate classification (germline): Uncertain significance. Review status: criteria provided, multiple submitters, no conflicts (2 of 4 stars). 2 submissions from 2 submitters: Uncertain significance (2). Last evaluated 2025-12-21.

Conditions:
Hereditary cancer-predisposing syndrome. Also called: Neoplastic Syndromes, Hereditary; Tumor predisposition; Hereditary Cancer Syndrome; Hereditary neoplastic syndrome. Identifiers: Orphanet 140162, MedGen C0027672, MeSH D009386, MONDO:0015356.

Allele frequency attached by ClinVar (database versions not stated): ExAC 0.00001; gnomAD 0.00001; gnomAD exomes 0.00002.

Submissions (2):

Labcorp Genetics (formerly Invitae), Labcorp
Classification: Uncertain significance. Last evaluated: 2025-12-21. Review status: criteria provided, single submitter. Criteria: Invitae Variant Classification Sherloc (09022015). Collection method: clinical testing. Allele origin: germline.
Comment: This sequence change replaces glycine, which is neutral and non-polar, with aspartic acid, which is acidic and polar, at codon 231 of the NTHL1 protein (p.Gly231Asp). This variant is present in population databases (rs759558139, gnomAD 0.01%). This variant has not been reported in the literature in individuals affected with NTHL1-related conditions. ClinVar contains an entry for this variant (Variation ID: 1756203). An algorithm developed to predict the effect of missense changes on protein structure and function outputs the following: PolyPhen-2: "Benign". The aspartic acid amino acid residue is found in multiple mammalian species, which suggests that this missense change does not adversely affect protein function. In summary, the available evidence is currently insufficient to determine the role of this variant in disease. Therefore, it has been classified as a Variant of Uncertain Significance.

Ambry Genetics
Classification: Uncertain significance for Hereditary cancer-predisposing syndrome. Last evaluated: 2024-07-24. Review status: criteria provided, single submitter. Criteria: Ambry Variant Classification Scheme 2023. Collection method: clinical testing. Allele origin: germline.
Comment: The p.G231D variant (also known as c.692G>A), located in coding exon 4 of the NTHL1 gene, results from a G to A substitution at nucleotide position 692. The glycine at codon 231 is replaced by aspartic acid, an amino acid with similar properties. This amino acid position is conserved. In addition, the in silico prediction for this alteration is inconclusive. Since supporting evidence is limited at this time, the clinical significance of this alteration remains unclear.

NM_002528.7(NTHL1):c.668G>A (p.Gly223Asp)

Gene: NTHL1 (nth like DNA glycosylase 1; minus strand). Cytogenetic location: 16p13.3.
Variant type: single nucleotide variant.
Coding change: c.668G>A on transcript NM_002528.7 (MANE Select); coding-DNA position 668, G replaced by A.
Protein change: p.Gly223Asp; replaces glycine 223 with aspartic acid.
Molecular consequence: missense variant.
Genome position (GRCh38, 1-based): chr16:2,043,584, C>T on the plus strand (G>A on the coding strand, the complement: NTHL1 is on the minus strand). VCF-style: chr16-2043584-C-T. GRCh37 (hg19) VCF-style: chr16-2093585-C-T.
Other names: c.497G>A, p.Gly166Asp (NM_001318193.2); c.338G>A, p.Gly113Asp (NM_001318194.2); short protein forms G113D, G223D, G166D.
Identifiers: ClinVar variation 1756203 (VCV001756203.8), dbSNP rs759558139, ClinGen allele CA7828180.